The following is an entry in ClinVar:

NM_018706.7(DHTKD1):c.1201A>G (p.Ser401Gly)

Gene: DHTKD1 (dehydrogenase E1 and transketolase domain containing 1; plus strand). Cytogenetic location: 10p14.
Variant type: single nucleotide variant.
Coding change: c.1201A>G on transcript NM_018706.7 (MANE Select); coding-DNA position 1201, A replaced by G.
Protein change: p.Ser401Gly; replaces serine 401 with glycine.
Molecular consequence: missense variant.
Genome position (GRCh38, 1-based): chr10:12,094,114, A>G. VCF-style: chr10-12094114-A-G. GRCh37 (hg19) VCF-style: chr10-12136113-A-G.
Other names: short protein forms S401G.
Identifiers: ClinVar variation 3663682 (VCV003663682.2).

ClinVar aggregate classification (germline): Uncertain significance (1 of 4 stars; one submission).

Conditions:
2-aminoadipic 2-oxoadipic aciduria (AAKAD). Also called: Aminoadipic aciduria; ALPHA-AMINOADIPIC AND ALPHA-KETOADIPIC ACIDURIA. Identifiers: Orphanet 79154, MedGen C1859817, MONDO:0008774, OMIM 204750.

gnomAD v4.1: 2 of 1,614,134 alleles (0.00012%); highest among the groups gnomAD compares: Non-Finnish European, 0.00017%; no homozygotes.

Submission:

Labcorp Genetics (formerly Invitae), Labcorp
Classification: Uncertain significance for 2-aminoadipic 2-oxoadipic aciduria. Last evaluated: 2024-12-02. Review status: criteria provided, single submitter. Criteria: Invitae Variant Classification Sherloc (09022015). Collection method: clinical testing. Allele origin: germline.
Comment: This sequence change replaces serine, which is neutral and polar, with glycine, which is neutral and non-polar, at codon 401 of the DHTKD1 protein (p.Ser401Gly). This variant is not present in population databases (gnomAD no frequency). This variant has not been reported in the literature in individuals affected with DHTKD1-related conditions. Invitae Evidence Modeling of protein sequence and biophysical properties (such as structural, functional, and spatial information, amino acid conservation, physicochemical variation, residue mobility, and thermodynamic stability) indicates that this missense variant is expected to disrupt DHTKD1 protein function with a positive predictive value of 80%. In summary, the available evidence is currently insufficient to determine the role of this variant in disease. Therefore, it has been classified as a Variant of Uncertain Significance.